The following is an entry in ClinVar:

NM_000548.5(TSC2):c.1906G>A (p.Gly636Arg)

Gene: TSC2 (TSC complex subunit 2; plus strand). Cytogenetic location: 16p13.3.
Variant type: single nucleotide variant.
Coding change: c.1906G>A on transcript NM_000548.5 (MANE Select); coding-DNA position 1906, G replaced by A.
Protein change: p.Gly636Arg; replaces glycine 636 with arginine.
Molecular consequence: missense variant.
Genome position (GRCh38, 1-based): chr16:2,071,576, G>A. VCF-style: chr16-2071576-G-A. GRCh37 (hg19) VCF-style: chr16-2121577-G-A.
Other names: c.1906G>A, p.Gly636Arg (NM_001077183.3, NM_001114382.3, NM_001363528.2 and 6 more transcripts); c.1795G>A, p.Gly599Arg (NM_001318827.2, NM_001406670.1, NM_001406678.1); c.1759G>A, p.Gly587Arg (NM_001318829.2, NM_001406675.1, NM_001406676.1 and 1 more transcripts); c.1306G>A, p.Gly436Arg (NM_001318831.2, NM_001406686.1, NM_001406687.1 and 6 more transcripts); c.1939G>A, p.Gly647Arg (NM_001318832.2); c.1996G>A, p.Gly666Arg (NM_001406667.1, NM_001406668.1); c.1894G>A, p.Gly632Arg (NM_001406671.1, NM_001406673.1); c.562G>A, p.Gly188Arg (NM_001406689.1, NM_001406690.1, NM_001406691.1 and 6 more transcripts); and 3 more; short protein forms G102R, G188R, G482R, G647R, G587R, G617R, G636R, G599R.
Identifiers: ClinVar variation 2010913 (VCV002010913.3), dbSNP rs2151298009, ClinGen allele CA394273179.

ClinVar aggregate classification (germline): Uncertain significance. Review status: criteria provided, multiple submitters, no conflicts (2 of 4 stars). 2 submissions from 2 submitters: Uncertain significance (2). Last evaluated 2023-06-28.

Conditions:
Hereditary cancer-predisposing syndrome. Also called: Neoplastic Syndromes, Hereditary; Hereditary neoplastic syndrome; Tumor predisposition; Hereditary Cancer Syndrome. Identifiers: Orphanet 140162, MedGen C0027672, MeSH D009386, MONDO:0015356.
Tuberous sclerosis 2 (TSC2). Identifiers: Orphanet 805, MedGen C1860707, MONDO:0013199, OMIM 613254.

Allele frequency attached by ClinVar (database versions not stated): gnomAD exomes 0.00001.
gnomAD v4.1: 8 of 1,613,534 alleles (0.0005%); highest among the groups gnomAD compares: Non-Finnish European, 0.00068%; no homozygotes.

Submissions (2):

Ambry Genetics
Classification: Uncertain significance for Hereditary cancer-predisposing syndrome. Last evaluated: 2023-06-28. Review status: criteria provided, single submitter. Criteria: Ambry Variant Classification Scheme 2023. Collection method: clinical testing. Allele origin: germline.
Comment: The p.G636R variant (also known as c.1906G>A), located in coding exon 17 of the TSC2 gene, results from a G to A substitution at nucleotide position 1906. The glycine at codon 636 is replaced by arginine, an amino acid with dissimilar properties. This amino acid position is conserved. In addition, this alteration is predicted to be deleterious by in silico analysis. Since supporting evidence is limited at this time, the clinical significance of this alteration remains unclear.

Labcorp Genetics (formerly Invitae), Labcorp
Classification: Uncertain significance for Tuberous sclerosis 2. Last evaluated: 2022-06-26. Review status: criteria provided, single submitter. Criteria: Invitae Variant Classification Sherloc (09022015). Collection method: clinical testing. Allele origin: germline.
Comment: This sequence change replaces glycine, which is neutral and non-polar, with arginine, which is basic and polar, at codon 636 of the TSC2 protein (p.Gly636Arg). This variant is not present in population databases (gnomAD no frequency). This variant has not been reported in the literature in individuals affected with TSC2-related conditions. Advanced modeling of protein sequence and biophysical properties (such as structural, functional, and spatial information, amino acid conservation, physicochemical variation, residue mobility, and thermodynamic stability) performed at Invitae indicates that this missense variant is not expected to disrupt TSC2 protein function. In summary, the available evidence is currently insufficient to determine the role of this variant in disease. Therefore, it has been classified as a Variant of Uncertain Significance.